The following is an entry in ClinVar:

ClinVar aggregate classification (germline): Uncertain significance (1 of 4 stars; one submission).

gnomAD v4.1: 14 of 1,559,780 alleles (0.0009%); highest among the groups gnomAD compares: Admixed American, 0.014%; no homozygotes.

Submission:

Dasa
Classification: Uncertain significance. Last evaluated: 2025-08-20. Review status: criteria provided, single submitter. Criteria: DASA Assertion Criteria. Collection method: clinical testing. Allele origin: germline.
Comment: NM_004972.4(JAK2):c.2886+10A>C is a splice-region variant. This variant is rare in population databases. Computational prediction algorithms are consistent with a benign effect. The currently available literature and clinical evidence are not sufficient to establish a definitive association between this variant and the reported condition. Therefore, this variant is classified as a variant of uncertain significance.

NM_004972.4(JAK2):c.2886+10A>C

Genes: INSL6 (insulin like 6; minus strand), JAK2 (Janus kinase 2; plus strand). Cytogenetic location: 9p24.1.
Variant type: single nucleotide variant.
Coding change: c.2886+10A>C on transcript NM_004972.4 (MANE Select); 10 bases into the intron after coding-DNA position 2886, A replaced by C.
Molecular consequence: intron variant.
Genome position (GRCh38, 1-based): chr9:5,090,580, A>C. VCF-style: chr9-5090580-A-C. GRCh37 (hg19) VCF-style: chr9-5090580-A-C.
Other names: c.2886+10A>C (NM_001322194.2, NM_001322195.2, NM_001322196.2); c.1671+10A>C (NM_001322198.2, NM_001322199.2); c.2439+10A>C (NM_001322204.2).
Identifiers: ClinVar variation 4881477 (VCV004881477.2).
Genomic context (GRCh38, chr9:5,090,580, plus strand): 5'-GAACGGATAGATCACATAAAACTTCTGCAGTACACATCTCAGATATGCAAGGTAACTAAT[A>C]TCCTGATTATTTGCTGTAGATGAAGCAACCGTGTTGAAGTAGACATTAGGAAATCATCTA-3'